The following is an entry in ClinVar:

NM_024411.5(PDYN):c.268G>A (p.Gly90Arg)

Genes: PDYN (prodynorphin; minus strand), PDYN-AS1 (PDYN antisense RNA 1; plus strand). Cytogenetic location: 20p13.
Variant type: single nucleotide variant.
Coding change: c.268G>A on transcript NM_024411.5 (MANE Select); coding-DNA position 268, G replaced by A.
Protein change: p.Gly90Arg; replaces glycine 90 with arginine.
Molecular consequence: missense variant.
Genome position (GRCh38, 1-based): chr20:1,980,820, C>T on the plus strand (G>A on the coding strand, the complement: PDYN is on the minus strand). VCF-style: chr20-1980820-C-T. GRCh37 (hg19) VCF-style: chr20-1961466-C-T.
Other names: c.268G>A, p.Gly90Arg (NM_001190892.1, NM_001190898.3, NM_001190899.2 and 1 more transcripts); short protein forms G90R.
Identifiers: ClinVar variation 447929 (VCV000447929.6), dbSNP rs201585283, ClinGen allele CA9730327.

ClinVar aggregate classification (germline): Conflicting classifications of pathogenicity. Review status: criteria provided, conflicting classifications (1 of 4 stars). 3 submissions from 3 submitters: Uncertain significance (1); Benign (1). 1 of the submissions does not count toward it. Last evaluated 2025-10-02.

Conditions:
Inborn genetic diseases. Identifiers: MedGen C0950123, MeSH D030342.

Allele frequency attached by ClinVar (database versions not stated): ExAC 0.00011; gnomAD exomes 0.00011 and 0.00022; gnomAD 0.00015 and 0.00016; TOPMed 0.00015.
gnomAD v4.1: 217 of 1,614,098 alleles (0.013%); highest among the groups gnomAD compares: Non-Finnish European, 0.0029%; 1 homozygote.

Submissions (3):

Athena Diagnostics
Classification: Benign. Last evaluated: 2025-10-02. Review status: criteria provided, single submitter. Criteria: Athena Diagnostics Criteria. Collection method: clinical testing. Allele origin: unknown.
Comment: The frequency of this variant in the general population is higher than would generally be expected for pathogenic variants in this gene. Computational tools predict this amino acid change may be benign.

Ambry Genetics
Classification: Uncertain significance for Inborn genetic diseases. Last evaluated: 2022-10-26. Review status: criteria provided, single submitter. Criteria: Ambry Variant Classification Scheme 2023. Collection method: clinical testing. Allele origin: germline.

Department of Pathology and Laboratory Medicine, Sinai Health System
Classification: Uncertain significance. Review status: no assertion criteria provided. Collection method: clinical testing. Allele origin: unknown. Affected: yes. Study: The Canadian Open Genetics Repository (COGR). Not counted in ClinVar's aggregate classification.
Comment: The PDYN p.Gly90Arg variant was not identified in the literature nor was it identified in Cosmic or LOVD 3.0. The variant was identified in dbSNP (ID: rs201585283) and in ClinVar (classified as benign by Athena Diagnostics Inc.). The variant was also identified in control databases in 57 of 282794 chromosomes at a frequency of 0.000202 (Genome Aggregation Database Feb 27, 2017). The variant was observed in the following populations: Ashkenazi Jewish in 48 of 10366 chromosomes (freq: 0.004631) and European (non-Finnish) in 9 of 129106 chromosomes (freq: 0.00007); it was not observed in the African, Latino, East Asian, European (Finnish), Other and South Asian populations. The variant occurs outside of the splicing consensus sequence and in silico or computational prediction software programs (SpliceSiteFinder, MaxEntScan, NNSPLICE, GeneSplicer) do not predict a difference in splicing. The p.Gly90 residue is not conserved in mammals and four out of five computational analyses (PolyPhen-2, SIFT, AlignGVGD, MutationTaster) do not suggest a high likelihood of impact to the protein; however, this information is not predictive enough to rule out pathogenicity. In summary, based on the above information the clinical significance of this variant cannot be determined with certainty at this time. This variant is classified as a variant of uncertain significance.